The following is an entry in ClinVar:

NM_001129.5(AEBP1):c.1151-9C>T

Gene: AEBP1 (AE binding protein 1; plus strand). Cytogenetic location: 7p13.
Variant type: single nucleotide variant.
Coding change: c.1151-9C>T on transcript NM_001129.5 (MANE Select); 9 bases into the intron before coding-DNA position 1151, C replaced by T.
Molecular consequence: intron variant.
Genome position (GRCh38, 1-based): chr7:44,110,006, C>T. VCF-style: chr7-44110006-C-T. GRCh37 (hg19) VCF-style: chr7-44149605-C-T.
Other names: c.1151-9C>T (NM_001129.4).
Identifiers: ClinVar variation 1671171 (VCV001671171.12), dbSNP rs371375766, ClinGen allele CA4237795.

ClinVar aggregate classification (germline): Benign/Likely benign. Review status: criteria provided, multiple submitters, no conflicts (2 of 4 stars). 4 submissions from 4 submitters: Benign (2); Likely benign (1). 1 of the submissions does not count toward it. Last evaluated 2026-01-23.

Conditions:
AEBP1-related disorder. Also called: AEBP1-related condition.

Allele frequency attached by ClinVar (database versions not stated): gnomAD exomes 0.00017 and 0.00051; ExAC 0.00064; 1000 Genomes Project 30x 0.00078; 1000 Genomes Project 0.00100; ESP Exome Variant Server 0.00146; gnomAD 0.00151 and 0.00165; TOPMed 0.00183.
gnomAD v4.1: 505 of 1,609,836 alleles (0.031%); highest among the groups gnomAD compares: African/African-American, 0.47%; 2 homozygotes.

Submissions (4):

Labcorp Genetics (formerly Invitae), Labcorp
Classification: Benign. Last evaluated: 2026-01-23. Review status: criteria provided, single submitter. Criteria: Invitae Variant Classification Sherloc (09022015). Collection method: clinical testing. Allele origin: germline.

Women's Health and Genetics/Laboratory Corporation of America, LabCorp
Classification: Benign. Last evaluated: 2025-06-05. Review status: criteria provided, single submitter. Criteria: LabCorp Variant Classification Summary - May 2015. Collection method: clinical testing. Allele origin: germline.
Comment: Variant summary: AEBP1 c.1151-9C>T alters a nucleotide located at a position not widely known to affect splicing. Several computational tools predict a significant impact on normal splicing: Four predict the variant strengthens a cryptic 5' donor site. However, these predictions have yet to be confirmed by functional studies. The variant allele was found at a frequency of 0.00051 in 247742 control chromosomes, predominantly at a frequency of 0.0054 within the African or African-American subpopulation in the gnomAD database, including 1 homozygote. The observed variant frequency within African or African-American control individuals in the gnomAD database is approximately 5-fold of the estimated maximal expected allele frequency for a pathogenic variant in AEBP1 causing Ehlers-Danlos syndrome, classic-like, 2 phenotype (0.0011). To our knowledge, no occurrence of c.1151-9C>T in individuals affected with Ehlers-Danlos syndrome, classic-like, 2 and no experimental evidence demonstrating its impact on protein function have been reported. ClinVar contains an entry for this variant (Variation ID: 1671171). Based on the evidence outlined above, the variant was classified as benign.

Blueprint Genetics
Classification: Likely benign. Last evaluated: 2024-10-03. Review status: criteria provided, single submitter. Criteria: ACMG Guidelines, 2015. Collection method: clinical testing. Allele origin: germline.

PreventionGenetics, part of Exact Sciences
Classification: Likely benign for AEBP1-related condition. Last evaluated: 2020-02-18. Review status: no assertion criteria provided. Collection method: clinical testing. Allele origin: germline. Not counted in ClinVar's aggregate classification.
Comment: This variant is classified as likely benign based on ACMG/AMP sequence variant interpretation guidelines (Richards et al. 2015 PMID: 25741868, with internal and published modifications).